The following is an entry in ClinVar:

NM_007294.4(BRCA1):c.195del (p.Asn66fs)

Gene: BRCA1 (BRCA1 DNA repair associated; minus strand). Cytogenetic location: 17q21.31.
Variant type: Deletion.
Coding change: c.195del on transcript NM_007294.4 (MANE Select); coding-DNA position 195, one base deleted (G; older notation c.195delG).
Protein change: p.Asn66fs; shifts the reading frame from asparagine 66.
Molecular consequence: frameshift variant.
Genome position (GRCh38, 1-based): chr17:43,106,473, C deleted on the plus strand (G on the coding strand, the reverse complement: BRCA1 is on the minus strand). VCF-style (leftmost placement, unchanged base first): chr17-43106472-TC-T. GRCh37 (hg19) VCF-style: chr17-41258489-TC-T.
Other names: 314delG; c.195delG, p.Asn66Metfs (NM_001407581.1, NM_001407582.1, NM_001407583.1 and 166 more transcripts); c.54delG, p.Asn19Metfs (NM_001408410.1, NM_001407692.1, NM_001407694.1 and 98 more transcripts); c.54del, p.Asn19fs (NM_007297.4); c.195del, p.Asn66fs (NM_007299.4, NM_007300.4); short protein forms N66fs, N19fs.
Identifiers: ClinVar variation 54414 (VCV000054414.8), dbSNP rs80357869, ClinGen allele CA001299.

ClinVar aggregate classification (germline): Pathogenic. Review status: reviewed by expert panel (3 of 4 stars). 6 submissions from 6 submitters: Pathogenic (1). 5 of the submissions do not count toward it. Last evaluated 2016-09-08.

Conditions:
Hereditary cancer-predisposing syndrome. Also called: Tumor predisposition; Neoplastic Syndromes, Hereditary; Hereditary Cancer Syndrome; Hereditary neoplastic syndrome. Identifiers: Orphanet 140162, MedGen C0027672, MeSH D009386, MONDO:0015356.
Breast-ovarian cancer, familial, susceptibility to, 1 (BROVCA1). Also called: OVARIAN CANCER, SUSCEPTIBILITY TO; BRCA1 Hereditary Breast and Ovarian Cancer. Identifiers: Orphanet 145, MedGen C2676676, MONDO:0011450, OMIM 604370. Disease mechanism: loss of function.

Submissions (6):

Evidence-based Network for the Interpretation of Germline Mutant Alleles (ENIGMA)
Classification: Pathogenic for Breast-ovarian cancer, familial, susceptibility to, 1. Last evaluated: 2016-09-08. Review status: reviewed by expert panel. Criteria: ENIGMA BRCA1/2 Classification Criteria (2015). Collection method: curation. Allele origin: germline.
Comment: Variant allele predicted to encode a truncated non-functional protein.

Ambry Genetics
Classification: Pathogenic for Hereditary cancer-predisposing syndrome. Last evaluated: 2025-04-04. Review status: criteria provided, single submitter. Criteria: Ambry Variant Classification Scheme 2023. Collection method: clinical testing. Allele origin: germline. Not counted in ClinVar's aggregate classification.
Comment: The c.195delG pathogenic mutation, located in coding exon 3 of the BRCA1 gene, results from a deletion of one nucleotide at nucleotide position 195, causing a translational frameshift with a predicted alternate stop codon (p.N66Mfs*3). This variant was reported in individual(s) with features consistent with BRCA1-related cancer predisposition (Meindl A et al. Int J Cancer, 2002 Feb;97:472-80; Schroeder C et al. Breast Cancer Res Treat, 2015 Jul;152:129-136; Walker LC et al. Eur J Hum Genet, 2017 Apr;25:432-438). Note, this variant is also referred to as 314delG in the literature. This variant is considered to be rare based on population cohorts in the Genome Aggregation Database (gnomAD). In addition to the clinical data presented in the literature, this alteration is expected to result in loss of function by premature protein truncation or nonsense-mediated mRNA decay. As such, this alteration is interpreted as a disease-causing mutation.

GeneKor MSA
Classification: Pathogenic. Last evaluated: 2020-01-01. Review status: criteria provided, single submitter. Criteria: ACMG Guidelines, 2015. Collection method: clinical testing. Allele origin: germline. Not counted in ClinVar's aggregate classification.
Comment: This sequence change deletes one base from exon 5 of the BRCA1 mRNA (c.195delG), causing a frameshift after codon 66 and the creation of a premature translation stop signal 3 amino acid residues later (p.Asn66Metfs*3). This is expected to result in an absent or disrupted protein product. The mutation database ClinVar contains entries for this variant (Variation ID: 54414).

Institute of Human Genetics, University of Leipzig Medical Center
Classification: Pathogenic for Breast-ovarian cancer, familial, susceptibility to, 1. Last evaluated: 2019-01-01. Review status: criteria provided, single submitter. Criteria: ACMG Guidelines, 2015. Collection method: clinical testing. Allele origin: unknown. Affected: no. Not counted in ClinVar's aggregate classification.

Consortium of Investigators of Modifiers of BRCA1/2 (CIMBA), c/o University of Cambridge
Classification: Pathogenic for Breast-ovarian cancer, familial, susceptibility to, 1. Last evaluated: 2015-10-02. Review status: criteria provided, single submitter. Criteria: CIMBA Mutation Classification guidelines May 2016. Collection method: clinical testing. Allele origin: germline. Not counted in ClinVar's aggregate classification.

Breast Cancer Information Core (BIC) (BRCA1)
Classification: Pathogenic for Breast-ovarian cancer, familial 1. Last evaluated: 2002-05-29. Review status: no assertion criteria provided. Collection method: clinical testing. Allele origin: germline. Affected: yes. Observed: 3 variant alleles. Not counted in ClinVar's aggregate classification.

Literature cited by the submitters: PubMed 11802209 (cited by Ambry Genetics); PubMed 26022348 (cited by Ambry Genetics); PubMed 28145423 (cited by Ambry Genetics).